The following is an entry in ClinVar:

ClinVar aggregate classification (germline): Uncertain significance (1 of 4 stars; one submission).

Conditions:
Genitopatellar syndrome (GTPTS). Also called: ABSENT PATELLAE, SCROTAL HYPOPLASIA, RENAL ANOMALIES, FACIAL DYSMORPHISM, AND MENTAL RETARDATION; Genitopatellar syndrome (GPS). Identifiers: Orphanet 85201, MedGen C1853566, MONDO:0011640, OMIM 606170.

Submission:

Labcorp Genetics (formerly Invitae), Labcorp
Classification: Uncertain significance for Genitopatellar syndrome. Last evaluated: 2025-04-08. Review status: criteria provided, single submitter. Criteria: Invitae Variant Classification Sherloc (09022015). Collection method: clinical testing. Allele origin: germline.
Comment: This sequence change replaces glutamic acid, which is acidic and polar, with glycine, which is neutral and non-polar, at codon 1757 of the KAT6B protein (p.Glu1757Gly). This variant is present in population databases (rs761100169, gnomAD 0.0009%). This variant has not been reported in the literature in individuals affected with KAT6B-related conditions. An algorithm developed to predict the effect of missense changes on protein structure and function (PolyPhen-2) suggests that this variant is likely to be disruptive. In summary, the available evidence is currently insufficient to determine the role of this variant in disease. Therefore, it has been classified as a Variant of Uncertain Significance.

NM_012330.4(KAT6B):c.5270A>G (p.Glu1757Gly)

Gene: KAT6B (lysine acetyltransferase 6B; plus strand). Cytogenetic location: 10q22.2.
Variant type: single nucleotide variant.
Coding change: c.5270A>G on transcript NM_012330.4 (MANE Select); coding-DNA position 5270, A replaced by G.
Protein change: p.Glu1757Gly; replaces glutamic acid 1757 with glycine.
Molecular consequence: missense variant.
Genome position (GRCh38, 1-based): chr10:75,030,094, A>G. VCF-style: chr10-75030094-A-G. GRCh37 (hg19) VCF-style: chr10-76789852-A-G.
Other names: c.4721A>G, p.Glu1574Gly (NM_001256468.2, NM_001370138.1); c.4394A>G, p.Glu1465Gly (NM_001370140.1, NM_001370141.1, NM_001370142.1 and 2 more transcripts); c.4205A>G, p.Glu1402Gly (NM_001370143.1, NM_001370144.1); c.4232A>G, p.Glu1411Gly (NM_001370132.1); c.3581A>G, p.Glu1194Gly (NM_001370133.1); c.3185A>G, p.Glu1062Gly (NM_001370134.1); c.2927A>G, p.Glu976Gly (NM_001370135.1); c.5270A>G, p.Glu1757Gly (NM_001370136.1, NM_001370137.1); short protein forms E1402G, E1411G, E1465G, E1574G, E1194G, E976G, E1062G, E1757G.
Identifiers: ClinVar variation 4705559 (VCV004705559.1).